The following is an entry in ClinVar:

NM_000465.4(BARD1):c.958G>A (p.Gly320Arg)

Gene: BARD1 (BRCA1 associated RING domain 1; minus strand). Cytogenetic location: 2q35.
Variant type: single nucleotide variant.
Coding change: c.958G>A on transcript NM_000465.4 (MANE Select); coding-DNA position 958, G replaced by A.
Protein change: p.Gly320Arg; replaces glycine 320 with arginine.
Molecular consequence: missense variant. On other transcripts: non-coding transcript variant (2), intron variant (3).
Genome position (GRCh38, 1-based): chr2:214,780,916, C>T on the plus strand (G>A on the coding strand, the complement: BARD1 is on the minus strand). VCF-style: chr2-214780916-C-T. GRCh37 (hg19) VCF-style: chr2-215645640-C-T.
Other names: c.901G>A, p.Gly301Arg (NM_001282543.2); c.159-28361G>A (NM_001282548.2); c.215+16145G>A (NM_001282545.2); c.364+11381G>A (NM_001282549.2); short protein forms G320R, G301R.
Identifiers: ClinVar variation 237847 (VCV000237847.14), dbSNP rs878854017, ClinGen allele CA10581934.

ClinVar aggregate classification (germline): Uncertain significance. Review status: criteria provided, multiple submitters, no conflicts (2 of 4 stars). 2 submissions from 2 submitters: Uncertain significance (2). Last evaluated 2025-02-26.

Conditions:
Hereditary cancer-predisposing syndrome. Also called: Neoplastic Syndromes, Hereditary; Hereditary neoplastic syndrome; Tumor predisposition; Hereditary Cancer Syndrome. Identifiers: Orphanet 140162, MedGen C0027672, MeSH D009386, MONDO:0015356.
Familial cancer of breast. Also called: BREAST CANCER, FAMILIAL; hereditary breast carcinoma; Hereditary breast cancer. Identifiers: Orphanet 227535, MedGen C0346153, MONDO:0016419, OMIM 114480. Disease mechanism: loss of function.

Submissions (2):

Labcorp Genetics (formerly Invitae), Labcorp
Classification: Uncertain significance for Familial cancer of breast. Last evaluated: 2025-02-26. Review status: criteria provided, single submitter. Criteria: Invitae Variant Classification Sherloc (09022015). Collection method: clinical testing. Allele origin: germline.
Comment: This sequence change replaces glycine, which is neutral and non-polar, with arginine, which is basic and polar, at codon 320 of the BARD1 protein (p.Gly320Arg). This variant is not present in population databases (gnomAD no frequency). This variant has not been reported in the literature in individuals affected with BARD1-related conditions. ClinVar contains an entry for this variant (Variation ID: 237847). An algorithm developed to predict the effect of missense changes on protein structure and function outputs the following: PolyPhen-2: "Benign". The arginine amino acid residue is found in multiple mammalian species, which suggests that this missense change does not adversely affect protein function. In summary, the available evidence is currently insufficient to determine the role of this variant in disease. Therefore, it has been classified as a Variant of Uncertain Significance.

Ambry Genetics
Classification: Uncertain significance for Hereditary cancer-predisposing syndrome. Last evaluated: 2022-09-08. Review status: criteria provided, single submitter. Criteria: Ambry Variant Classification Scheme 2023. Collection method: clinical testing. Allele origin: germline.
Comment: The p.G320R variant (also known as c.958G>A), located in coding exon 4 of the BARD1 gene, results from a G to A substitution at nucleotide position 958. The glycine at codon 320 is replaced by arginine, an amino acid with dissimilar properties. This amino acid position is not well conserved in available vertebrate species. In addition, the in silico prediction for this alteration is inconclusive. Since supporting evidence is limited at this time, the clinical significance of this alteration remains unclear.